The following is an entry in ClinVar:

NM_004304.5(ALK):c.1834G>A (p.Val612Ile)

Gene: ALK (ALK receptor tyrosine kinase; minus strand). Cytogenetic location: 2p23.2.
Variant type: single nucleotide variant.
Coding change: c.1834G>A on transcript NM_004304.5 (MANE Select); coding-DNA position 1834, G replaced by A.
Protein change: p.Val612Ile; replaces valine 612 with isoleucine.
Molecular consequence: missense variant.
Genome position (GRCh38, 1-based): chr2:29,275,480, C>T on the plus strand (G>A on the coding strand, the complement: ALK is on the minus strand). VCF-style: chr2-29275480-C-T. GRCh37 (hg19) VCF-style: chr2-29498346-C-T.
Other names: short protein forms V612I.
Identifiers: ClinVar variation 538243 (VCV000538243.11), dbSNP rs1431784023, ClinGen allele CA346480020.

ClinVar aggregate classification (germline): Conflicting classifications of pathogenicity. Review status: criteria provided, conflicting classifications (1 of 4 stars). 3 submissions from 3 submitters: Uncertain significance (2); Likely benign (1). Last evaluated 2025-12-02.

Conditions:
Hereditary cancer-predisposing syndrome. Also called: Neoplastic Syndromes, Hereditary; Tumor predisposition; Hereditary Cancer Syndrome; Hereditary neoplastic syndrome. Identifiers: Orphanet 140162, MedGen C0027672, MeSH D009386, MONDO:0015356.
Neuroblastoma, susceptibility to, 3. Also called: ALK-Related Neuroblastic Tumor Susceptibility. Identifiers: Orphanet 635, MedGen C2751681, MONDO:0013083, OMIM 613014.

Allele frequency attached by ClinVar (database versions not stated): TOPMed 0.00001.
gnomAD v4.1: 7 of 1,614,104 alleles (0.00043%); highest among the groups gnomAD compares: African/African-American, 0.0027%; no homozygotes.

Submissions (3):

Labcorp Genetics (formerly Invitae), Labcorp
Classification: Uncertain significance for Neuroblastoma, susceptibility to, 3. Last evaluated: 2025-12-02. Review status: criteria provided, single submitter. Criteria: Invitae Variant Classification Sherloc (09022015). Collection method: clinical testing. Allele origin: germline.
Comment: This sequence change replaces valine, which is neutral and non-polar, with isoleucine, which is neutral and non-polar, at codon 612 of the ALK protein (p.Val612Ile). This variant is present in population databases (no rsID available, gnomAD 0.0009%). This variant has not been reported in the literature in individuals affected with ALK-related conditions. ClinVar contains an entry for this variant (Variation ID: 538243). An algorithm developed to predict the effect of missense changes on protein structure and function (PolyPhen-2) suggests that this variant is likely to be tolerated. In summary, the available evidence is currently insufficient to determine the role of this variant in disease. Therefore, it has been classified as a Variant of Uncertain Significance.

Ambry Genetics
Classification: Likely benign for Hereditary cancer-predisposing syndrome. Last evaluated: 2025-03-06. Review status: criteria provided, single submitter. Criteria: Ambry Variant Classification Scheme 2023. Collection method: clinical testing. Allele origin: germline.

GeneDx
Classification: Uncertain significance. Last evaluated: 2024-08-02. Review status: criteria provided, single submitter. Criteria: GeneDx Variant Classification Process June 2021. Collection method: clinical testing. Allele origin: germline. Affected: yes.
Comment: Not observed at significant frequency in large population cohorts (gnomAD); In silico analysis indicates that this missense variant does not alter protein structure/function; Has not been previously published as pathogenic or benign to our knowledge; This variant is associated with the following publications: (PMID: 32579932)